The following is an entry in ClinVar:

ClinVar aggregate classification (germline): Uncertain significance (1 of 4 stars; one submission).

Allele frequency attached by ClinVar (database versions not stated): gnomAD exomes below 0.00001.
gnomAD v4.1: 2 of 1,613,802 alleles (0.00012%); highest among the groups gnomAD compares: Admixed American, 0.0017%; no homozygotes.

Submission:

Labcorp Genetics (formerly Invitae), Labcorp
Classification: Uncertain significance. Last evaluated: 2022-12-14. Review status: criteria provided, single submitter. Criteria: Invitae Variant Classification Sherloc (09022015). Collection method: clinical testing. Allele origin: germline.
Comment: In summary, the available evidence is currently insufficient to determine the role of this variant in disease. Therefore, it has been classified as a Variant of Uncertain Significance. Algorithms developed to predict the effect of missense changes on protein structure and function are either unavailable or do not agree on the potential impact of this missense change (SIFT: "Deleterious"; PolyPhen-2: "Benign"; Align-GVGD: "Class C25"). This variant has not been reported in the literature in individuals affected with CNOT1-related conditions. This variant is present in population databases (no rsID available, gnomAD 0.003%). This sequence change replaces proline, which is neutral and non-polar, with leucine, which is neutral and non-polar, at codon 1321 of the CNOT1 protein (p.Pro1321Leu).

NM_016284.5(CNOT1):c.3977C>T (p.Pro1326Leu)

Gene: CNOT1 (CCR4-NOT transcription complex subunit 1; minus strand). Cytogenetic location: 16q21.
Variant type: single nucleotide variant.
Coding change: c.3977C>T on transcript NM_016284.5 (MANE Select); coding-DNA position 3977, C replaced by T.
Protein change: p.Pro1326Leu; replaces proline 1326 with leucine.
Molecular consequence: missense variant. On other transcripts: non-coding transcript variant (1).
Genome position (GRCh38, 1-based): chr16:58,546,350, G>A on the plus strand (C>T on the coding strand, the complement: CNOT1 is on the minus strand). VCF-style: chr16-58546350-G-A. GRCh37 (hg19) VCF-style: chr16-58580254-G-A.
Other names: c.3962C>T, p.Pro1321Leu (NM_001265612.2); c.3977C>T, p.Pro1326Leu (NM_206999.3); short protein forms P1321L, P1326L.
Identifiers: ClinVar variation 3020998 (VCV003020998.3), dbSNP rs1488549546, ClinGen allele CA396170782.